The following is an entry in ClinVar:

ClinVar aggregate classification (germline): Pathogenic (1 of 4 stars; one submission).

Submission:

Quest Diagnostics Nichols Institute San Juan Capistrano
Classification: Pathogenic. Last evaluated: 2022-04-06. Review status: criteria provided, single submitter. Criteria: ACMG/ClinGen CNV Guidelines, 2019. Collection method: clinical testing. Allele origin: unknown.
Comment: The 17p13.3 deletion interval is within the critical region of Miller-Dieker lissencephaly syndrome (OMIM 247200) that involves YWHAE (OMIM 605066) and CRK (OMIM 164762), but is distal to PAFAH1B1 (LIS1) (OMIM 601545), which is responsible for isolated lissencephaly (OMIM 607432). Patients with 17p terminal deletions, including YWHAE and CRK, but not PAFAH1B1 (LIS1), have a distinctive phenotype. The common clinical findings include developmental delay, intellectual disability, growth restriction, white matter abnormalities, and additional abnormalities including Chiari type 1 malformation and coloboma (Schiff, et al., Eur J Med Genet. 2010 Sep-Oct;53(5):303-8. PMID: 20599530; Bruno et al., J Med Genet. 2010 May;47(5):299-311. PMID: 20452996; Ostergaard et al., Eur J Med Genet. 2012 Jan;55(1):22-6. PMID: 22085993; Enomoto et al., Am J Med Genet A. 2012 Sep;158A(9):2347-52. PMID: 22887762).

GRCh37/hg19 17p13.3(chr17:526-1690452)x1

Genes: TIMM22 (translocase of inner mitochondrial membrane 22; plus strand), TLCD2 (TLC domain containing 2; minus strand), TLCD3A (TLC domain containing 3A; plus strand), TRARG1 (trafficking regulator of GLUT4 (SLC2A4) 1 (gene/pseudogene); plus strand), GLOD4 (glyoxalase domain containing 4; minus strand) and 24 more. Cytogenetic location: 17p13.3.
Variant type: copy number loss.
Change: copy number 1 (one copy instead of two) of chr17:526-1,690,452 (1.69 Mb, GRCh37 coordinates, 1-based), cytogenetic band 17p13.3.
Identifiers: ClinVar variation 1808625 (VCV001808625.1).